The following is an entry in ClinVar:

NM_000465.4(BARD1):c.2016T>C (p.Phe672=)

Gene: BARD1 (BRCA1 associated RING domain 1; minus strand). Cytogenetic location: 2q35.
Variant type: single nucleotide variant.
Coding change: c.2016T>C on transcript NM_000465.4 (MANE Select); coding-DNA position 2016, T replaced by C.
Protein change: p.Phe672=; no amino-acid change (phenylalanine 672 retained).
Molecular consequence: synonymous variant. On other transcripts: non-coding transcript variant (3).
Genome position (GRCh38, 1-based): chr2:214,728,994, A>G on the plus strand (T>C on the coding strand, the complement: BARD1 is on the minus strand). VCF-style: chr2-214728994-A-G. GRCh37 (hg19) VCF-style: chr2-215593718-A-G.
Other names: c.1959T>C, p.Phe653= (NM_001282543.2); c.663T>C, p.Phe221= (NM_001282545.2); c.606T>C, p.Phe202= (NM_001282548.2); c.477T>C, p.Phe159= (NM_001282549.2).
Identifiers: ClinVar variation 2774773 (VCV002774773.3), dbSNP rs2469271336, ClinGen allele CA431394162.

ClinVar aggregate classification (germline): Benign/Likely benign. Review status: criteria provided, multiple submitters, no conflicts (2 of 4 stars). 2 submissions from 2 submitters: Benign (1); Likely benign (1). Last evaluated 2024-07-29.

Conditions:
Familial cancer of breast. Also called: Hereditary breast cancer; BREAST CANCER, FAMILIAL; hereditary breast carcinoma. Identifiers: Orphanet 227535, MedGen C0346153, MONDO:0016419, OMIM 114480. Disease mechanism: loss of function.
Hereditary cancer-predisposing syndrome. Also called: Neoplastic Syndromes, Hereditary; Tumor predisposition; Hereditary Cancer Syndrome; Hereditary neoplastic syndrome. Identifiers: Orphanet 140162, MedGen C0027672, MeSH D009386, MONDO:0015356.

Submissions (2):

Myriad Genetics, Inc.
Classification: Benign for Familial cancer of breast. Last evaluated: 2024-07-29. Review status: criteria provided, single submitter. Criteria: Myriad Autosomal Dominant, Autosomal Recessive and X-Linked Classification Criteria (2023). Collection method: clinical testing. Allele origin: unknown.
Comment: This variant is considered benign. This variant is a silent/synonymous amino acid change and it is not expected to impact splicing.

Color Diagnostics, LLC DBA Color Health
Classification: Likely benign for Hereditary cancer-predisposing syndrome. Last evaluated: 2021-11-18. Review status: criteria provided, single submitter. Criteria: ACMG Guidelines, 2015. Collection method: clinical testing. Allele origin: germline.